The following is an entry in ClinVar:

NM_005751.5(AKAP9):c.9156del (p.Gly3053fs)

Gene: AKAP9 (A-kinase anchoring protein 9; plus strand). Cytogenetic location: 7q21.2.
Variant type: Deletion.
Coding change: c.9156del on transcript NM_005751.5 (MANE Select); coding-DNA position 9156, one base deleted (A; older notation c.9156delA).
Protein change: p.Gly3053fs; shifts the reading frame from glycine 3053.
Molecular consequence: frameshift variant.
Genome position (GRCh38, 1-based): chr7:92,086,359, A deleted. VCF-style (leftmost placement, unchanged base first): chr7-92086358-TA-T. GRCh37 (hg19) VCF-style: chr7-91715672-TA-T.
Other names: c.3801del, p.Gly1268fs (NM_001379277.1); c.9132del, p.Gly3045fs (NM_147185.3); short protein forms G1268fs, G3045fs, G3053fs.
Identifiers: ClinVar variation 4883871 (VCV004883871.2).

ClinVar aggregate classification (germline): Uncertain significance (1 of 4 stars; one submission).

Submission:

Dasa
Classification: Uncertain significance. Last evaluated: 2024-11-04. Review status: criteria provided, single submitter. Criteria: DASA Assertion Criteria. Collection method: clinical testing. Allele origin: germline.
Comment: NM_005751.5(AKAP9):c.9156del (p.Gly3053Valfs*9) is a frameshift variant in AKAP9 predicted to alter the reading frame and introduce a premature termination codon. This variant is absent from population databases. The currently available literature and clinical evidence are not sufficient to establish a definitive association between this variant and the reported condition. Therefore, this variant is classified as a variant of uncertain significance.